The following is an entry in ClinVar:

ClinVar aggregate classification (germline): Conflicting classifications of pathogenicity. Review status: criteria provided, conflicting classifications (1 of 4 stars). 8 submissions from 8 submitters: Likely pathogenic (1); Likely benign (5). 2 of the submissions do not count toward it. Last evaluated 2026-07-23.

Conditions:
Cataract-growth hormone deficiency-sensory neuropathy-sensorineural hearing loss-skeletal dysplasia syndrome. Also called: Cataracts, growth hormone deficiency, sensory neuropathy, sensorineural hearing loss, and skeletal dysplasia. Identifiers: Orphanet 436174, MedGen C4014942, MONDO:0014455, OMIM 616007.
Leigh syndrome (NULS). Also called: Leigh Syndrome (mtDNA deletion); Leigh's syndrome; Leigh Disease; Subacute necrotizing encephalopathy; Necrotizing encephalopathy infantile subacute of Leigh; LEIGH SYNDROME, NUCLEAR. Identifiers: Orphanet 506, MedGen C2931891, MONDO:0009723, OMIM 256000.

Allele frequency attached by ClinVar (database versions not stated): gnomAD exomes 0.00127 and 0.00115; TOPMed 0.00064; ESP Exome Variant Server 0.00085; gnomAD 0.00089 and 0.00094; 1000 Genomes Project 30x 0.00094; 1000 Genomes Project 0.00120; ExAC 0.00124.
gnomAD v4.1: 1,795 of 1,614,100 alleles (0.11%); highest among the groups gnomAD compares: South Asian, 0.28%; 8 homozygotes.

Submissions (8):

GeneDx
Classification: Likely pathogenic. Last evaluated: 2026-07-23. Review status: criteria provided, single submitter. Criteria: GeneDx Variant Classification Process June 2021. Collection method: clinical testing. Allele origin: germline.
Comment: Observed with a second variant in IARS2 in a patient with intellectual disability, but normal brain MRI (PMID: 33972171), and it is unknown whether the variants occurred on the same (in cis) or opposite (in trans) alleles (PMID: 33972171); In silico analysis suggests that this missense variant does not alter protein structure/function; This variant is associated with the following publications: (PMID: 30419932, 30041933, 34426522, LopesBragaV2023[article], 39062673, 25130867, 39031459, 39169373, 33972171)

CeGaT Center for Human Genetics Tuebingen
Classification: Likely benign. Last evaluated: 2026-07-01. Review status: criteria provided, single submitter. Criteria: CeGaT Center For Human Genetics Tuebingen Variant Classification Criteria Version 2. Collection method: clinical testing. Allele origin: germline. Affected: yes. Observed: 10 variant alleles.
Comment: IARS2: BS2

Labcorp Genetics (formerly Invitae), Labcorp
Classification: Likely benign. Last evaluated: 2026-01-02. Review status: criteria provided, single submitter. Criteria: Invitae Variant Classification Sherloc (09022015). Collection method: clinical testing. Allele origin: germline.

Women's Health and Genetics/Laboratory Corporation of America, LabCorp
Classification: Likely benign. Last evaluated: 2024-07-12. Review status: criteria provided, single submitter. Criteria: LabCorp Variant Classification Summary - May 2015. Collection method: clinical testing. Allele origin: germline.
Comment: Variant summary: IARS2 c.2122G>A (p.Glu708Lys) results in a conservative amino acid change located in the Aminoacyl-tRNA synthetase, class Ia domain (IPR002300) of the encoded protein sequence. Four of five in-silico tools predict a benign effect of the variant on protein function. The variant allele was found at a frequency of 0.0013 in 251460 control chromosomes, predominantly at a frequency of 0.003 within the South Asian subpopulation in the gnomAD database, including 4 homozygotes. The observed variant frequency within South Asian control individuals in the gnomAD database exceeds the estimated maximal expected allele frequency for a pathogenic variant in IARS2 causing Cataract-Growth Hormone Deficiency-Sensory Neuropathy-Sensorineural Hearing Loss-Skeletal Dysplasia Syndrome phenotype. c.2122G>A has been reported in the literature in the presumed compound heterozygous state in multiple individuals affected with clinical features of IARS2-related conditions, however the the population frequency of this variant is not in pathogenic range. These report(s) do not provide unequivocal conclusions about association of the variant with IARS2-related conditions. To our knowledge, no experimental evidence demonstrating an impact on protein function has been reported. The following publications have been ascertained in the context of this evaluation (PMID: 33327715, 33972171, 25130867). ClinVar contains an entry for this variant (Variation ID: 156552). Based on the evidence outlined above, the variant was classified as likely benign.

Mendelics
Classification: Likely benign for Cataract-growth hormone deficiency-sensory neuropathy-sensorineural hearing loss-skeletal dysplasia syndrome. Last evaluated: 2019-05-28. Review status: criteria provided, single submitter. Criteria: Mendelics Assertion Criteria 2017. Collection method: clinical testing. Allele origin: unknown.

Breakthrough Genomics
Classification: Likely benign. Review status: criteria provided, single submitter. Criteria: ACMG Guidelines, 2015. Collection method: not provided. Allele origin: germline. Inheritance: Autosomal recessive inheritance. Affected: yes.

OMIM
Classification: Uncertain significance for VARIANT OF UNKNOWN SIGNIFICANCE. Last evaluated: 2014-11-01. Review status: no assertion criteria provided. Collection method: literature only. Allele origin: germline. Not counted in ClinVar's aggregate classification.

Samuels research lab, Centre de Recherche du CHU Ste-Justine
Classification: Pathogenic for Leigh syndrome. Last evaluated: 2014-04-01. Review status: no assertion criteria provided. Collection method: research. Allele origin: germline. Affected: yes. Observed: 1 variant allele, 1 compound heterozygote. Study: FORGE Canada. Not counted in ClinVar's aggregate classification.
Comment: Molecular characterization of rare pediatric disorders in Canada

Literature cited by the submitters: PubMed 33972171 (cited by Women's Health and Genetics/Laboratory Corporation of America, LabCorp); PubMed 33327715 (cited by Women's Health and Genetics/Laboratory Corporation of America, LabCorp); PubMed 25130867 (cited by 3 submitters).

NM_018060.4(IARS2):c.2122G>A (p.Glu708Lys)

Gene: IARS2 (isoleucyl-tRNA synthetase 2, mitochondrial; plus strand). Cytogenetic location: 1q41.
Variant type: single nucleotide variant.
Coding change: c.2122G>A on transcript NM_018060.4 (MANE Select); coding-DNA position 2122, G replaced by A.
Protein change: p.Glu708Lys; replaces glutamic acid 708 with lysine.
Molecular consequence: missense variant.
Genome position (GRCh38, 1-based): chr1:220,137,990, G>A. VCF-style: chr1-220137990-G-A. GRCh37 (hg19) VCF-style: chr1-220311332-G-A.
Other names: IARS2, GLU708LYS (rs143722284); short protein forms E708K.
Identifiers: ClinVar variation 156552 (VCV000156552.47), dbSNP rs143722284, ClinGen allele CA233274.